The following is an entry in ClinVar:

NM_000090.4(COL3A1):c.3068G>A (p.Gly1023Asp)

Gene: COL3A1 (collagen type III alpha 1 chain; plus strand). Cytogenetic location: 2q32.2.
Variant type: single nucleotide variant.
Coding change: c.3068G>A on transcript NM_000090.4 (MANE Select); coding-DNA position 3068, G replaced by A.
Protein change: p.Gly1023Asp; replaces glycine 1023 with aspartic acid.
Molecular consequence: missense variant.
Genome position (GRCh38, 1-based): chr2:189,006,234, G>A. VCF-style: chr2-189006234-G-A. GRCh37 (hg19) VCF-style: chr2-189870960-G-A.
Other names: short protein forms G1023D.
Identifiers: ClinVar variation 547271 (VCV000547271.4), dbSNP rs1553509401, ClinGen allele CA349844944.
Genomic context (GRCh38, chr2:189,006,234, plus strand): 5'-AAATTTTATTTCCTTTCTCATTTTTTAATCAGGGAAACCCTGGATCAGATGGTCTTCCAG[G>A]CCGAGATGGATCTCCTGGTGGCAAGGTATAATAAACACATGTGCAATTGATTTGTGTTAT-3'
Protein context (NP_000081.2, residues 1013-1033): DGNPGSDGLP[Gly1023Asp]RDGSPGGKGD

ClinVar aggregate classification (germline): Conflicting classifications of pathogenicity. Review status: criteria provided, conflicting classifications (1 of 4 stars). 2 submissions from 2 submitters: Pathogenic (1); Uncertain significance (1). Last evaluated 2024-07-01.

Conditions:
Ehlers-Danlos syndrome, type 4 (EDSVASC). Also called: Ehlers-Danlos syndrome vascular type; Ehlers Danlos syndrome, ecchymotic type; Ehlers Danlos syndrome, arterial type; Ehlers Danlos syndrome, Sack-Barabas type; Ehlers-Danlos Syndrome Type IV. Identifiers: Orphanet 286, MedGen C0268338, MONDO:0017314, OMIM 130050.

Submissions (2):

GeneDx
Classification: Pathogenic. Last evaluated: 2024-07-01. Review status: criteria provided, single submitter. Criteria: GeneDx Variant Classification Process June 2021. Collection method: clinical testing. Allele origin: germline. Affected: yes.
Comment: Has not been previously published as pathogenic or benign to our knowledge; Not observed in large population cohorts (gnomAD); In silico analysis supports that this missense variant has a deleterious effect on protein structure/function; Occurs in the triple helical domain and replaces the glycine in the canonical Gly-X-Y repeat; missense substitution of a canonical glycine residue is expected to disrupt normal protein folding and function, and this is an established mechanism of disease (HGMD)

Center for Human Genetics, Inc
Classification: Uncertain significance for Ehlers-Danlos syndrome, type 4. Last evaluated: 2016-11-01. Review status: criteria provided, single submitter. Criteria: ACMG Guidelines, 2015. Collection method: clinical testing. Allele origin: germline. Affected: yes.